The following is an entry in ClinVar:

ClinVar aggregate classification (germline): Uncertain significance (1 of 4 stars; one submission).

Conditions:
Inborn genetic diseases. Identifiers: MedGen C0950123, MeSH D030342.

gnomAD v4.1: 2 of 1,613,888 alleles (0.00012%); highest among the groups gnomAD compares: Non-Finnish European, 0.00017%; no homozygotes.

Submission:

Ambry Genetics
Classification: Uncertain significance for Inborn genetic diseases. Last evaluated: 2024-11-18. Review status: criteria provided, single submitter. Criteria: Ambry Variant Classification Scheme 2023. Collection method: clinical testing. Allele origin: germline.
Comment: The p.H962D variant (also known as c.2884C>G), located in coding exon 30 of the FANCA gene, results from a C to G substitution at nucleotide position 2884. The histidine at codon 962 is replaced by aspartic acid, an amino acid with similar properties. This amino acid position is conserved. In addition, this alteration is predicted to be tolerated by in silico analysis. Based on the available evidence, the clinical significance of this variant remains unclear.

NM_000135.4(FANCA):c.2884C>G (p.His962Asp)

Gene: FANCA (FA complementation group A; minus strand). Cytogenetic location: 16q24.3.
Variant type: single nucleotide variant.
Coding change: c.2884C>G on transcript NM_000135.4 (MANE Select); coding-DNA position 2884, C replaced by G.
Protein change: p.His962Asp; replaces histidine 962 with aspartic acid.
Molecular consequence: missense variant.
Genome position (GRCh38, 1-based): chr16:89,758,674, G>C on the plus strand (C>G on the coding strand, the complement: FANCA is on the minus strand). VCF-style: chr16-89758674-G-C. GRCh37 (hg19) VCF-style: chr16-89825082-G-C.
Other names: c.2884C>G, p.His962Asp (NM_001286167.3); short protein forms H962D.
Identifiers: ClinVar variation 3512629 (VCV003512629.1).